The following is an entry in ClinVar:

ClinVar aggregate classification (germline): Benign/Likely benign. Review status: criteria provided, multiple submitters, no conflicts (2 of 4 stars). 10 submissions from 10 submitters: Benign (7); Likely benign (1). 2 of the submissions do not count toward it. Last evaluated 2026-02-04.

Conditions:
Polycystic kidney disease 4 (PKD4). Also called: POLYCYSTIC KIDNEY AND HEPATIC DISEASE 1; POLYCYSTIC KIDNEY DISEASE, INFANTILE, TYPE I; POLYCYSTIC KIDNEY DISEASE 4 WITH OR WITHOUT POLYCYSTIC LIVER DISEASE; PKD3; Autosomal Recessive Polycystic Kidney Disease – PKHD1. Identifiers: MedGen C4540575, MONDO:0033004, OMIM 263200.
Autosomal recessive polycystic kidney disease (ARPKD). Also called: AR polycystic kidney disease. Identifiers: Orphanet 731, Orphanet 8378, MedGen C0085548, MeSH D017044, MONDO:0009889.
Polycystic kidney disease. Also called: Kidney, Polycystic; Polycystic kidney dysplasia. Identifiers: MedGen C0022680, MeSH D007690, MONDO:0020642, HP:0000113.

Allele frequency attached by ClinVar (database versions not stated): 1000 Genomes Project 30x 0.05746; 1000 Genomes Project 0.05871; gnomAD 0.07716 and 0.07730; TOPMed 0.07720; ESP Exome Variant Server 0.08611; ExAC 0.08618; gnomAD exomes 0.08743 and 0.09958.
gnomAD v4.1: 157,268 of 1,614,084 alleles (9.7%); highest among the groups gnomAD compares: Middle Eastern, 16%; 8,321 homozygotes.

Submissions (10):

Labcorp Genetics (formerly Invitae), Labcorp
Classification: Benign for Autosomal recessive polycystic kidney disease. Last evaluated: 2026-02-04. Review status: criteria provided, single submitter. Criteria: Invitae Variant Classification Sherloc (09022015). Collection method: clinical testing. Allele origin: germline.

Blueprint Genetics
Classification: Likely benign. Last evaluated: 2024-11-26. Review status: criteria provided, single submitter. Criteria: ACMG Guidelines, 2015. Collection method: clinical testing. Allele origin: germline.

Mayo Clinic Laboratories, Mayo Clinic
Classification: Benign. Last evaluated: 2022-03-09. Review status: criteria provided, single submitter. Criteria: ACMG Guidelines, 2015. Collection method: clinical testing. Allele origin: germline. Observed: 125 variant alleles.

Pars Genome Lab
Classification: Benign for Polycystic kidney disease 4. Last evaluated: 2021-06-19. Review status: criteria provided, single submitter. Criteria: ACMG Guidelines, 2015. Collection method: clinical testing. Allele origin: germline. Affected: no.

GeneDx
Classification: Benign. Last evaluated: 2018-07-09. Review status: criteria provided, single submitter. Criteria: GeneDx Variant Classification Process June 2021. Collection method: clinical testing. Allele origin: germline. Affected: yes.

Illumina Laboratory Services, Illumina
Classification: Benign for Polycystic kidney disease 4. Last evaluated: 2018-01-13. Review status: criteria provided, single submitter. Criteria: ICSL Variant Classification Criteria 13 December 2019. Collection method: clinical testing. Allele origin: germline.
Comment: This variant was observed in the ICSL laboratory as part of a predisposition screen in an ostensibly healthy population. It had not been previously curated by ICSL or reported in the Human Gene Mutation Database (HGMD: prior to June 1st, 2018), and was therefore a candidate for classification through an automated scoring system. Utilizing variant allele frequency, disease prevalence and penetrance estimates, and inheritance mode, an automated score was calculated to assess if this variant is too frequent to cause the disease. Based on the score and internal cut-off values, a variant classified as benign is not then subjected to further curation. The score for this variant resulted in a classification of benign for this disease.

Eurofins Ntd Llc (ga)
Classification: Benign. Last evaluated: 2016-02-04. Review status: criteria provided, single submitter. Criteria: EGL Classification Definitions 2015. Collection method: clinical testing. Allele origin: germline. Observed: 32 variant alleles, 29 heterozygotes, 3 homozygotes.

PreventionGenetics, part of Exact Sciences
Classification: Benign. Review status: criteria provided, single submitter. Criteria: ACMG Guidelines, 2015. Collection method: clinical testing. Allele origin: germline.

Natera, Inc.
Classification: Benign for Autosomal recessive polycystic kidney disease. Last evaluated: 2017-05-11. Review status: no assertion criteria provided. Collection method: clinical testing. Allele origin: germline. Not counted in ClinVar's aggregate classification.

Department of Pathology and Laboratory Medicine, Sinai Health System
Classification: Benign for Polycystic Kidney disease. Review status: no assertion criteria provided. Collection method: clinical testing. Allele origin: unknown. Affected: yes. Study: The Canadian Open Genetics Repository (COGR). Not counted in ClinVar's aggregate classification.
Comment: The PKHD1, p.Pro682Pro variant was identified in 8.6% of 121322 control alleles in the Exome Aggregation Consortium (March 14, 2016). According to ACMG guidelines for variant classification based on allele frequency, category BA1, this variant is considered benign and has not been further reviewed (Richards 2015).

NM_138694.4(PKHD1):c.2046A>C (p.Pro682=)

Gene: PKHD1 (PKHD1 ciliary IPT domain containing fibrocystin/polyductin; minus strand). Cytogenetic location: 6p12.2.
Variant type: single nucleotide variant.
Coding change: c.2046A>C on transcript NM_138694.4 (MANE Select); coding-DNA position 2046, A replaced by C.
Protein change: p.Pro682=; no amino-acid change (proline 682 retained).
Molecular consequence: synonymous variant.
Genome position (GRCh38, 1-based): chr6:52,053,170, T>G on the plus strand (A>C on the coding strand, the complement: PKHD1 is on the minus strand). VCF-style: chr6-52053170-T-G. GRCh37 (hg19) VCF-style: chr6-51917968-T-G.
Other names: p.Pro682=; c.2046A>C, p.Pro682= (NM_170724.3).
Identifiers: ClinVar variation 96384 (VCV000096384.32), dbSNP rs4715271, ClinGen allele CA149498.